The following is an entry in ClinVar:

NM_000257.4(MYH7):c.666G>A (p.Gln222=)

Gene: MYH7 (myosin heavy chain 7; minus strand). Cytogenetic location: 14q11.2.
Variant type: single nucleotide variant.
Coding change: c.666G>A on transcript NM_000257.4 (MANE Select); coding-DNA position 666, G replaced by A.
Protein change: p.Gln222=; no amino-acid change (glutamine 222 retained).
Molecular consequence: synonymous variant.
Genome position (GRCh38, 1-based): chr14:23,431,651, C>T on the plus strand (G>A on the coding strand, the complement: MYH7 is on the minus strand). VCF-style: chr14-23431651-C-T. GRCh37 (hg19) VCF-style: chr14-23900860-C-T.
Identifiers: ClinVar variation 1596486 (VCV001596486.9), dbSNP rs1489868206, ClinGen allele CA485767359.

ClinVar aggregate classification (germline): Likely benign. Review status: criteria provided, multiple submitters, no conflicts (2 of 4 stars). 2 submissions from 2 submitters: Likely benign (2). Last evaluated 2023-10-27.

Conditions:
Cardiomyopathy (CMYO). Also called: Cardiomyopathies. Identifiers: Orphanet 167848, MedGen C0878544, MONDO:0004994, HP:0001638. Inheritance: Various modes of inheritance.
Hypertrophic cardiomyopathy. Also called: HYPERTROPHIC MYOCARDIOPATHY. Identifiers: Orphanet 217569, MedGen C0007194, MeSH D002312, MONDO:0005045, HP:0001639.

Allele frequency attached by ClinVar (database versions not stated): gnomAD exomes below 0.00001.
gnomAD v4.1: 3 of 1,614,244 alleles (0.00019%); highest among the groups gnomAD compares: Non-Finnish European, 0.00025%; no homozygotes.

Submissions (2):

All of Us Research Program, National Institutes of Health
Classification: Likely benign for Cardiomyopathy. Last evaluated: 2023-10-27. Review status: criteria provided, single submitter. Criteria: ACMG Guidelines, 2015. Collection method: clinical testing. Allele origin: germline. Inheritance: Autosomal dominant inheritance. Observed: 1 variant allele, 1 heterozygote.
Comment: This study involves interpretation of variants in research participants for the purpose of population health screening. Participant phenotype was not available at the time of variant classification. Additional details can be found in publication PMID: 35346344, PMCID: PMC8962531

Labcorp Genetics (formerly Invitae), Labcorp
Classification: Likely benign for Hypertrophic cardiomyopathy. Last evaluated: 2021-10-03. Review status: criteria provided, single submitter. Criteria: Invitae Variant Classification Sherloc (09022015). Collection method: clinical testing. Allele origin: germline.